The following is an entry in ClinVar:

NM_001609.4(ACADSB):c.1228+8G>C

Gene: ACADSB (acyl-CoA dehydrogenase short/branched chain; plus strand). Cytogenetic location: 10q26.13.
Variant type: single nucleotide variant.
Coding change: c.1228+8G>C on transcript NM_001609.4 (MANE Select); 8 bases into the intron after coding-DNA position 1228, G replaced by C.
Molecular consequence: intron variant.
Genome position (GRCh38, 1-based): chr10:123,053,168, G>C. VCF-style: chr10-123053168-G-C. GRCh37 (hg19) VCF-style: chr10-124812684-G-C.
Other names: c.922+8G>C (NM_001330174.3).
Identifiers: ClinVar variation 299088 (VCV000299088.11), dbSNP rs202191462, ClinGen allele CA5730961.

ClinVar aggregate classification (germline): Conflicting classifications of pathogenicity. Review status: criteria provided, conflicting classifications (1 of 4 stars). 3 submissions from 3 submitters: Uncertain significance (1); Likely benign (1). 1 of the submissions does not count toward it. Last evaluated 2026-01-20.

Conditions:
ACADSB-related disorder. Also called: ACADSB-related condition.
Deficiency of 2-methylbutyryl-CoA dehydrogenase (ACADSB). Also called: 2-methylbutyryl-CoA dehydrogenase deficiency; SBCAD deficiency; 2-methylbutyric aciduria; Short branched-chain acyl-CoA dehydrogenase deficiency; 2-methylbutyrylglycinuria. Identifiers: Orphanet 79157, MedGen C1864912, MONDO:0012392, OMIM 610006, HP:0020147.

Allele frequency attached by ClinVar (database versions not stated): ESP Exome Variant Server 0.00008; gnomAD exomes 0.00008 and 0.00037; TOPMed 0.00011; ExAC 0.00035; gnomAD 0.00056 and 0.00058.
gnomAD v4.1: 146 of 1,475,008 alleles (0.0099%); highest among the groups gnomAD compares: Non-Finnish European, 0.0029%; 1 homozygote.

Submissions (3):

Labcorp Genetics (formerly Invitae), Labcorp
Classification: Likely benign for Deficiency of 2-methylbutyryl-CoA dehydrogenase. Last evaluated: 2026-01-20. Review status: criteria provided, single submitter. Criteria: Invitae Variant Classification Sherloc (09022015). Collection method: clinical testing. Allele origin: germline.

Illumina Laboratory Services, Illumina
Classification: Uncertain significance for Deficiency of 2-methylbutyryl-CoA dehydrogenase. Last evaluated: 2018-01-12. Review status: criteria provided, single submitter. Criteria: ICSL Variant Classification Criteria 13 December 2019. Collection method: clinical testing. Allele origin: germline.

PreventionGenetics, part of Exact Sciences
Classification: Likely benign for ACADSB-related condition. Last evaluated: 2020-12-24. Review status: no assertion criteria provided. Collection method: clinical testing. Allele origin: germline. Not counted in ClinVar's aggregate classification.
Comment: This variant is classified as likely benign based on ACMG/AMP sequence variant interpretation guidelines (Richards et al. 2015 PMID: 25741868, with internal and published modifications).